The following is an entry in ClinVar:

NM_152703.5(SAMD9L):c.1297G>T (p.Asp433Tyr)

Gene: SAMD9L (sterile alpha motif domain containing 9 like; minus strand). Cytogenetic location: 7q21.2.
Variant type: single nucleotide variant.
Coding change: c.1297G>T on transcript NM_152703.5 (MANE Select); coding-DNA position 1297, G replaced by T.
Protein change: p.Asp433Tyr; replaces aspartic acid 433 with tyrosine.
Molecular consequence: missense variant.
Genome position (GRCh38, 1-based): chr7:93,134,675, C>A on the plus strand (G>T on the coding strand, the complement: SAMD9L is on the minus strand). VCF-style: chr7-93134675-C-A. GRCh37 (hg19) VCF-style: chr7-92763988-C-A.
Other names: c.1297G>T, p.Asp433Tyr (NM_001303496.3, NM_001303497.3, NM_001303498.3 and 5 more transcripts); c.1297G>T (NM_152703.2); short protein forms D433Y.
Identifiers: ClinVar variation 1910311 (VCV001910311.6), dbSNP rs2535429651, ClinGen allele CA368197658.

ClinVar aggregate classification (germline): Uncertain significance. Review status: criteria provided, multiple submitters, no conflicts (2 of 4 stars). 2 submissions from 2 submitters: Uncertain significance (2). Last evaluated 2025-12-08.

Conditions:
Inborn genetic diseases. Identifiers: MedGen C0950123, MeSH D030342.

Submissions (2):

Labcorp Genetics (formerly Invitae), Labcorp
Classification: Uncertain significance. Last evaluated: 2025-12-08. Review status: criteria provided, single submitter. Criteria: Invitae Variant Classification Sherloc (09022015). Collection method: clinical testing. Allele origin: germline.
Comment: This sequence change replaces aspartic acid, which is acidic and polar, with tyrosine, which is neutral and polar, at codon 433 of the SAMD9L protein (p.Asp433Tyr). This variant is not present in population databases (gnomAD no frequency). This variant has not been reported in the literature in individuals affected with SAMD9L-related conditions. ClinVar contains an entry for this variant (Variation ID: 1910311). Invitae Evidence Modeling of protein sequence and biophysical properties (such as structural, functional, and spatial information, amino acid conservation, physicochemical variation, residue mobility, and thermodynamic stability) has been performed for this missense variant. However, the output from this modeling did not meet the statistical confidence thresholds required to predict the impact of this variant on SAMD9L protein function. In summary, the available evidence is currently insufficient to determine the role of this variant in disease. Therefore, it has been classified as a Variant of Uncertain Significance.

Ambry Genetics
Classification: Uncertain significance for Inborn genetic diseases. Last evaluated: 2024-12-09. Review status: criteria provided, single submitter. Criteria: Ambry Variant Classification Scheme 2023. Collection method: clinical testing. Allele origin: germline.
Comment: The p.D433Y variant (also known as c.1297G>T), located in coding exon 1 of the SAMD9L gene, results from a G to T substitution at nucleotide position 1297. The aspartic acid at codon 433 is replaced by tyrosine, an amino acid with highly dissimilar properties. This amino acid position is conserved. In addition, this alteration is predicted to be tolerated by in silico analysis. Based on the available evidence, the clinical significance of this variant remains unclear.